The following is an entry in ClinVar:

NM_001103.4(ACTN2):c.1793C>A (p.Pro598Gln)

Gene: ACTN2 (actinin alpha 2; plus strand). Cytogenetic location: 1q43.
Variant type: single nucleotide variant.
Coding change: c.1793C>A on transcript NM_001103.4 (MANE Select); coding-DNA position 1793, C replaced by A.
Protein change: p.Pro598Gln; replaces proline 598 with glutamine.
Molecular consequence: missense variant. On other transcripts: non-coding transcript variant (1).
Genome position (GRCh38, 1-based): chr1:236,751,606, C>A. VCF-style: chr1-236751606-C-A. GRCh37 (hg19) VCF-style: chr1-236914906-C-A.
Other names: c.1793C>A, p.Pro598Gln (NM_001278343.2); c.1169C>A, p.Pro390Gln (NM_001278344.2); c.1043C>A, p.Pro348Gln (NM_001412150.1); short protein forms P348Q, P390Q, P598Q.
Identifiers: ClinVar variation 2630111 (VCV002630111.1), dbSNP rs767907022, ClinGen allele CA1473252.

ClinVar aggregate classification (germline): Uncertain significance (1 of 4 stars; one submission).

Conditions:
ACTN2-related disorder. Also called: ACTN2-related disorders; ACTN2 related condition.

Submission:

PreventionGenetics, part of Exact Sciences
Classification: Uncertain significance for ACTN2-related condition. Last evaluated: 2023-01-18. Review status: criteria provided, single submitter. Criteria: ACMG Guidelines, 2015. Collection method: clinical testing. Allele origin: germline.
Comment: The ACTN2 c.1793C>A variant is predicted to result in the amino acid substitution p.Pro598Gln. To our knowledge, this variant has not been reported in the literature or in a large population database, indicating this variant is rare. At this time, the clinical significance of this variant is uncertain due to the absence of conclusive functional and genetic evidence.